The following is an entry in ClinVar:

NM_003280.3(TNNC1):c.203-16T>C

Gene: TNNC1 (troponin C1, slow skeletal and cardiac type; minus strand). Cytogenetic location: 3p21.1.
Variant type: single nucleotide variant.
Coding change: c.203-16T>C on transcript NM_003280.3 (MANE Select); 16 bases into the intron before coding-DNA position 203, T replaced by C.
Molecular consequence: intron variant.
Genome position (GRCh38, 1-based): chr3:52,451,874, A>G on the plus strand (T>C on the coding strand, the complement: TNNC1 is on the minus strand). VCF-style: chr3-52451874-A-G. GRCh37 (hg19) VCF-style: chr3-52485890-A-G.
Other names: c.203-16T>C (LRG_378t1).
Identifiers: ClinVar variation 508181 (VCV000508181.4), dbSNP rs765306660, ClinGen allele CA2438557.

ClinVar aggregate classification (germline): Likely benign. Review status: criteria provided, multiple submitters, no conflicts (2 of 4 stars). 2 submissions from 2 submitters: Likely benign (2). Last evaluated 2025-05-17.

Conditions:
Dilated cardiomyopathy 1Z (CMD1Z). Identifiers: Orphanet 154, MedGen C2678475, MONDO:0012745, OMIM 611879.
Hypertrophic cardiomyopathy 13. Also called: TNNC1-Related Familial Hypertrophic Cardiomyopathy. Identifiers: MedGen C2750472, MONDO:0013195, OMIM 613243.

Allele frequency attached by ClinVar (database versions not stated): gnomAD exomes below 0.00001; ExAC 0.00001; gnomAD 0.00001; TOPMed 0.00002.
gnomAD v4.1: 2 of 1,610,034 alleles (0.00012%); highest among the groups gnomAD compares: African/African-American, 0.0027%; no homozygotes.

Submissions (2):

Labcorp Genetics (formerly Invitae), Labcorp
Classification: Likely benign for Hypertrophic cardiomyopathy 13; Dilated cardiomyopathy 1Z. Last evaluated: 2025-05-17. Review status: criteria provided, single submitter. Criteria: Invitae Variant Classification Sherloc (09022015). Collection method: clinical testing. Allele origin: germline.

GeneDx
Classification: Likely benign. Last evaluated: 2017-03-20. Review status: criteria provided, single submitter. Criteria: GeneDx Variant Classification (06012015). Collection method: clinical testing. Allele origin: germline. Affected: yes.
Comment: This variant is considered likely benign or benign based on one or more of the following criteria: it is a conservative change, it occurs at a poorly conserved position in the protein, it is predicted to be benign by multiple in silico algorithms, and/or has population frequency not consistent with disease.